The following is an entry in ClinVar:

NM_006393.3(NEBL):c.2547C>T (p.Gly849=)

Gene: NEBL (nebulette; minus strand). Cytogenetic location: 10p12.31.
Variant type: single nucleotide variant.
Coding change: c.2547C>T on transcript NM_006393.3 (MANE Select); coding-DNA position 2547, C replaced by T.
Protein change: p.Gly849=; no amino-acid change (glycine 849 retained).
Molecular consequence: synonymous variant. On other transcripts: intron variant (8).
Genome position (GRCh38, 1-based): chr10:20,809,870, G>A on the plus strand (C>T on the coding strand, the complement: NEBL is on the minus strand). VCF-style: chr10-20809870-G-A. GRCh37 (hg19) VCF-style: chr10-21098799-G-A.
Other names: c.558C>T, p.Gly186= (NM_001377322.1); c.421+2899C>T (NM_001377326.1, NM_001377327.1, NM_001377328.1); c.529+2899C>T (NM_213569.2, NM_001173484.2); c.472+2899C>T (NM_001377324.1); c.463+2899C>T (NM_001377325.1); c.481+2899C>T (NM_001377323.1).
Identifiers: ClinVar variation 227734 (VCV000227734.17), dbSNP rs180850975, ClinGen allele CA5432418.

ClinVar aggregate classification (germline): Likely benign. Review status: criteria provided, multiple submitters, no conflicts (2 of 4 stars). 4 submissions from 4 submitters: Likely benign (4). Last evaluated 2026-01-15.

Conditions:
Primary dilated cardiomyopathy (DCM). Also called: Dilated Cardiomyopathy. Identifiers: Orphanet 217604, MedGen C0007193, MeSH D002311, MONDO:0005021, HP:0001644. Inheritance: Various modes of inheritance.

Allele frequency attached by ClinVar (database versions not stated): gnomAD 0.00001 and 0.00003; gnomAD exomes 0.00002 and 0.00009; TOPMed 0.00007; ExAC 0.00011; 1000 Genomes Project 0.00060; 1000 Genomes Project 30x 0.00062.
gnomAD v4.1: 42 of 1,611,710 alleles (0.0026%); highest among the groups gnomAD compares: East Asian, 0.078%; no homozygotes.

Submissions (4):

Labcorp Genetics (formerly Invitae), Labcorp
Classification: Likely benign for Primary dilated cardiomyopathy. Last evaluated: 2026-01-15. Review status: criteria provided, single submitter. Criteria: Invitae Variant Classification Sherloc (09022015). Collection method: clinical testing. Allele origin: germline.

Ambry Genetics
Classification: Likely benign. Last evaluated: 2019-10-01. Review status: criteria provided, single submitter. Criteria: Ambry Variant Classification Scheme 2023. Collection method: clinical testing. Allele origin: germline.

GeneDx
Classification: Likely benign. Last evaluated: 2019-01-08. Review status: criteria provided, single submitter. Criteria: GeneDx Variant Classification Process June 2021. Collection method: clinical testing. Allele origin: germline. Affected: yes.

Laboratory for Molecular Medicine, Mass General Brigham Personalized Medicine
Classification: Likely benign. Last evaluated: 2015-01-19. Review status: criteria provided, single submitter. Criteria: LMM Criteria. Collection method: clinical testing. Allele origin: germline. Observed: 1 variant allele.
Comment: p.Gly849Gly in exon 25 of NEBL: This variant is not expected to have clinical si gnificance because it does not alter an amino acid residue and is not located wi thin the splice consensus sequence. It has been identified in 0.14% (12/8692) of East Asian chromosomes by the Exome Aggregation Consortium (ExAC; dbSNP rs180850975).